The following is an entry in ClinVar:

NM_032802.4(SPPL2A):c.683T>G (p.Val228Gly)

Gene: SPPL2A (signal peptide peptidase like 2A; minus strand). Cytogenetic location: 15q21.2.
Variant type: single nucleotide variant.
Coding change: c.683T>G on transcript NM_032802.4 (MANE Select); coding-DNA position 683, T replaced by G.
Protein change: p.Val228Gly; replaces valine 228 with glycine.
Molecular consequence: missense variant.
Genome position (GRCh38, 1-based): chr15:50,739,730, A>C on the plus strand (T>G on the coding strand, the complement: SPPL2A is on the minus strand). VCF-style: chr15-50739730-A-C. GRCh37 (hg19) VCF-style: chr15-51031927-A-C.
Other names: short protein forms V228G.
Identifiers: ClinVar variation 3729275 (VCV003729275.2).

ClinVar aggregate classification (germline): Uncertain significance (1 of 4 stars; one submission).

gnomAD v4.1: 3 of 1,602,748 alleles (0.00019%); highest among the groups gnomAD compares: Non-Finnish European, 0.00026%; no homozygotes.

Submission:

Labcorp Genetics (formerly Invitae), Labcorp
Classification: Uncertain significance. Last evaluated: 2025-01-21. Review status: criteria provided, single submitter. Criteria: Invitae Variant Classification Sherloc (09022015). Collection method: clinical testing. Allele origin: germline.
Comment: This sequence change replaces valine, which is neutral and non-polar, with glycine, which is neutral and non-polar, at codon 228 of the SPPL2A protein (p.Val228Gly). This variant is not present in population databases (gnomAD no frequency). This variant has not been reported in the literature in individuals affected with SPPL2A-related conditions. An algorithm developed to predict the effect of missense changes on protein structure and function (PolyPhen-2) suggests that this variant is likely to be disruptive. In summary, the available evidence is currently insufficient to determine the role of this variant in disease. Therefore, it has been classified as a Variant of Uncertain Significance.